The following is an entry in ClinVar:

NM_006514.4(SCN10A):c.3822G>A (p.Leu1274=)

Gene: SCN10A (sodium voltage-gated channel alpha subunit 10; minus strand). Cytogenetic location: 3p22.2.
Variant type: single nucleotide variant.
Coding change: c.3822G>A on transcript NM_006514.4 (MANE Select); coding-DNA position 3822, G replaced by A.
Protein change: p.Leu1274=; no amino-acid change (leucine 1274 retained).
Molecular consequence: synonymous variant.
Genome position (GRCh38, 1-based): chr3:38,712,428, C>T on the plus strand (G>A on the coding strand, the complement: SCN10A is on the minus strand). VCF-style: chr3-38712428-C-T. GRCh37 (hg19) VCF-style: chr3-38753919-C-T.
Other names: c.3819G>A, p.Leu1273= (NM_001293306.2); c.3528G>A, p.Leu1176= (NM_001293307.2).
Identifiers: ClinVar variation 699643 (VCV000699643.11), dbSNP rs368154191, ClinGen allele CA2320086.
Genomic context (GRCh38, chr3:38,712,428, plus strand): 5'-GATGAGCCAGAAGATGAGGCAGACGAGGAGGACATTCATGATGGATGGGATGGCGCCCAC[C>T]AGGGCATCCACCACCACCTGGTGGGAGATAGAGAAAGACCTGGAACCTCCCAATGCCCCA-3'
Protein context (NP_006505.4, residues 1264-1284): FEGMRVVVDA[Leu1274=]VGAIPSIMNV

ClinVar aggregate classification (germline): Likely benign. Review status: criteria provided, multiple submitters, no conflicts (2 of 4 stars). 3 submissions from 3 submitters: Likely benign (2). 1 of the submissions does not count toward it. Last evaluated 2025-03-11.

Conditions:
SCN10A-related disorder. Also called: SCN10A-related condition.
Cardiovascular phenotype. Identifiers: MedGen CN230736.
Brugada syndrome. Also called: Sudden unexplained nocturnal death syndrome; Sudden Unexplained Death Syndrome; Sudden Unexplained Nocturnal Death Syndrome (SUNDS); Sudden unexpected nocturnal death syndrome. Identifiers: Orphanet 130, MedGen C1142166, MONDO:0015263.

Allele frequency attached by ClinVar (database versions not stated): gnomAD exomes 0.00001 and 0.00002; gnomAD 0.00002; TOPMed 0.00001; ESP Exome Variant Server 0.00008.

Submissions (3):

Labcorp Genetics (formerly Invitae), Labcorp
Classification: Likely benign for Brugada syndrome. Last evaluated: 2025-03-11. Review status: criteria provided, single submitter. Criteria: Invitae Variant Classification Sherloc (09022015). Collection method: clinical testing. Allele origin: germline.

Ambry Genetics
Classification: Likely benign for Cardiovascular phenotype. Last evaluated: 2020-12-23. Review status: criteria provided, single submitter. Criteria: Ambry Variant Classification Scheme 2023. Collection method: clinical testing. Allele origin: germline.

PreventionGenetics, part of Exact Sciences
Classification: Likely benign for SCN10A-related condition. Last evaluated: 2019-09-17. Review status: no assertion criteria provided. Collection method: clinical testing. Allele origin: germline. Not counted in ClinVar's aggregate classification.
Comment: This variant is classified as likely benign based on ACMG/AMP sequence variant interpretation guidelines (Richards et al. 2015 PMID: 25741868, with internal and published modifications).